The following is an entry in ClinVar:

ClinVar aggregate classification (germline): Uncertain significance (1 of 4 stars; one submission).

Allele frequency attached by ClinVar (database versions not stated): gnomAD exomes below 0.00001.
gnomAD v4.1: 1 of 1,612,264 alleles (0.000062%); highest among the groups gnomAD compares: East Asian, 0.0022%; no homozygotes.

Submission:

GeneDx
Classification: Uncertain significance. Last evaluated: 2022-06-27. Review status: criteria provided, single submitter. Criteria: GeneDx Variant Classification Process June 2021. Collection method: clinical testing. Allele origin: germline. Affected: yes.
Comment: Not observed at significant frequency in large population cohorts (gnomAD); In silico analysis supports that this missense variant has a deleterious effect on protein structure/function; Has not been previously published as pathogenic or benign to our knowledge

NM_017617.5(NOTCH1):c.3796G>A (p.Gly1266Arg)

Gene: NOTCH1 (notch receptor 1; minus strand). Cytogenetic location: 9q34.3.
Variant type: single nucleotide variant.
Coding change: c.3796G>A on transcript NM_017617.5 (MANE Select); coding-DNA position 3796, G replaced by A.
Protein change: p.Gly1266Arg; replaces glycine 1266 with arginine.
Molecular consequence: missense variant.
Genome position (GRCh38, 1-based): chr9:136,506,821, C>T on the plus strand (G>A on the coding strand, the complement: NOTCH1 is on the minus strand). VCF-style: chr9-136506821-C-T. GRCh37 (hg19) VCF-style: chr9-139401273-C-T.
Other names: short protein forms G1266R.
Identifiers: ClinVar variation 1809872 (VCV001809872.1), dbSNP rs2133343623, ClinGen allele CA375549271.